The following is an entry in ClinVar:

NM_020533.3(MCOLN1):c.1294G>A (p.Val432Met)

Gene: MCOLN1 (mucolipin TRP cation channel 1; plus strand). Cytogenetic location: 19p13.2.
Variant type: single nucleotide variant.
Coding change: c.1294G>A on transcript NM_020533.3 (MANE Select); coding-DNA position 1294, G replaced by A.
Protein change: p.Val432Met; replaces valine 432 with methionine.
Molecular consequence: missense variant.
Genome position (GRCh38, 1-based): chr19:7,529,647, G>A. VCF-style: chr19-7529647-G-A. GRCh37 (hg19) VCF-style: chr19-7594533-G-A.
Other names: short protein forms V432M.
Identifiers: ClinVar variation 2163693 (VCV002163693.1), dbSNP rs2512473608, ClinGen allele CA403087761.
Genomic context (GRCh38, chr19:7,529,647, plus strand): 5'-CAGATCCTCATCGCCACACTGCGGGTGGCCCTGCCCAGCGTCATGCGCTTCTGCTGCTGC[G>A]TGGCTGTCATCTACCTGGGCTACTGCTTCTGTGGCTGGATCGTGCTGGGGCCCTATCATG-3'
Protein context (NP_065394.1, residues 422-442): LPSVMRFCCC[Val432Met]AVIYLGYCFC

ClinVar aggregate classification (germline): Uncertain significance (1 of 4 stars; one submission).

Conditions:
Mucolipidosis type IV (ML4). Also called: ML IV. Identifiers: Orphanet 578, MedGen C0238286, MONDO:0009653, OMIM 252650.

Allele frequency attached by ClinVar (database versions not stated): gnomAD exomes below 0.00001.
gnomAD v4.1: 1 of 1,614,192 alleles (0.000062%); highest among the groups gnomAD compares: East Asian, 0.0022%; no homozygotes.

Submission:

Labcorp Genetics (formerly Invitae), Labcorp
Classification: Uncertain significance for Mucolipidosis type IV. Last evaluated: 2022-04-13. Review status: criteria provided, single submitter. Criteria: Invitae Variant Classification Sherloc (09022015). Collection method: clinical testing. Allele origin: germline.
Comment: This sequence change replaces valine, which is neutral and non-polar, with methionine, which is neutral and non-polar, at codon 432 of the MCOLN1 protein (p.Val432Met). This variant is not present in population databases (gnomAD no frequency). This variant has not been reported in the literature in individuals affected with MCOLN1-related conditions. Algorithms developed to predict the effect of missense changes on protein structure and function are either unavailable or do not agree on the potential impact of this missense change (SIFT: "Deleterious"; PolyPhen-2: "Probably Damaging"; Align-GVGD: "Class C0"). In summary, the available evidence is currently insufficient to determine the role of this variant in disease. Therefore, it has been classified as a Variant of Uncertain Significance.